The following is an entry in ClinVar:

ClinVar aggregate classification (germline): Uncertain significance (1 of 4 stars; one submission).

Allele frequency attached by ClinVar (database versions not stated): gnomAD exomes below 0.00001; TOPMed 0.00001; ExAC 0.00002; gnomAD 0.00002.

Submission:

Labcorp Genetics (formerly Invitae), Labcorp
Classification: Uncertain significance. Last evaluated: 2022-09-28. Review status: criteria provided, single submitter. Criteria: Invitae Variant Classification Sherloc (09022015). Collection method: clinical testing. Allele origin: germline.
Comment: In summary, the available evidence is currently insufficient to determine the role of this variant in disease. Therefore, it has been classified as a Variant of Uncertain Significance. Algorithms developed to predict the effect of missense changes on protein structure and function (SIFT, PolyPhen-2, Align-GVGD) all suggest that this variant is likely to be tolerated. ClinVar contains an entry for this variant (Variation ID: 1502049). This variant has not been reported in the literature in individuals affected with LMF1-related conditions. This variant is present in population databases (rs749108524, gnomAD 0.004%). This sequence change replaces methionine, which is neutral and non-polar, with valine, which is neutral and non-polar, at codon 148 of the LMF1 protein (p.Met148Val).

NM_022773.4(LMF1):c.442A>G (p.Met148Val)

Gene: LMF1 (lipase maturation factor 1; minus strand). Cytogenetic location: 16p13.3.
Variant type: single nucleotide variant.
Coding change: c.442A>G on transcript NM_022773.4 (MANE Select); coding-DNA position 442, A replaced by G.
Protein change: p.Met148Val; replaces methionine 148 with valine.
Molecular consequence: missense variant. On other transcripts: 5 prime UTR variant (3), non-coding transcript variant (1).
Genome position (GRCh38, 1-based): chr16:954,418, T>C on the plus strand (A>G on the coding strand, the complement: LMF1 is on the minus strand). VCF-style: chr16-954418-T-C. GRCh37 (hg19) VCF-style: chr16-1004418-T-C.
Other names: c.-362A>G (NM_001352017.2); c.-113A>G (NM_001352018.2); c.115A>G, p.Met39Val (NM_001352019.2); c.442A>G, p.Met148Val (NM_001352020.1); c.-264A>G (NM_001352021.2); short protein forms M148V, M39V.
Identifiers: ClinVar variation 1502049 (VCV001502049.6), dbSNP rs749108524, ClinGen allele CA7797642.